The following is an entry in ClinVar:

ClinVar aggregate classification (germline): Conflicting classifications of pathogenicity. Review status: criteria provided, conflicting classifications (1 of 4 stars). 2 submissions from 2 submitters: Uncertain significance (1); Likely benign (1). Last evaluated 2024-07-16.

Conditions:
Long QT syndrome (LQTS). Identifiers: MedGen C0023976, MeSH D008133, MONDO:0002442. Disease mechanism: loss of function. Inheritance: Various modes of inheritance.
Cardiovascular phenotype. Identifiers: MedGen CN230736.

Allele frequency attached by ClinVar (database versions not stated): gnomAD exomes 0.00001; TOPMed 0.00005; ESP Exome Variant Server 0.00008; gnomAD 0.00013.
gnomAD v4.1: 27 of 1,614,002 alleles (0.0017%); highest among the groups gnomAD compares: African/African-American, 0.025%; no homozygotes.

Submissions (2):

Labcorp Genetics (formerly Invitae), Labcorp
Classification: Uncertain significance for Long QT syndrome. Last evaluated: 2024-07-16. Review status: criteria provided, single submitter. Criteria: Invitae Variant Classification Sherloc (09022015). Collection method: clinical testing. Allele origin: germline.
Comment: This sequence change replaces arginine, which is basic and polar, with histidine, which is basic and polar, at codon 2354 of the ANK2 protein (p.Arg2354His). This variant is present in population databases (rs139616911, gnomAD 0.01%). This variant has not been reported in the literature in individuals affected with ANK2-related conditions. ClinVar contains an entry for this variant (Variation ID: 643458). An algorithm developed to predict the effect of missense changes on protein structure and function (PolyPhen-2) suggests that this variant¬†is likely to be tolerated. In summary, the available evidence is currently insufficient to determine the role of this variant in disease. Therefore, it has been classified as a Variant of Uncertain Significance.

Ambry Genetics
Classification: Likely benign for Cardiovascular phenotype. Last evaluated: 2024-04-10. Review status: criteria provided, single submitter. Criteria: Ambry Variant Classification Scheme 2023. Collection method: clinical testing. Allele origin: germline.

NM_001148.6(ANK2):c.7061G>A (p.Arg2354His)

Genes: ANK2 (ankyrin 2; plus strand), LOC126807137 (CDK7 strongly-dependent group 2 enhancer GRCh37_chr4:114276560-114277759; plus strand). Cytogenetic location: 4q26.
Variant type: single nucleotide variant.
Coding change: c.7061G>A on transcript NM_001148.6 (MANE Select); coding-DNA position 7061, G replaced by A.
Protein change: p.Arg2354His; replaces arginine 2354 with histidine.
Molecular consequence: missense variant. On other transcripts: intron variant (68).
Genome position (GRCh38, 1-based): chr4:113,355,679, G>A. VCF-style: chr4-113355679-G-A. GRCh37 (hg19) VCF-style: chr4-114276835-G-A.
Other names: c.6827G>A, p.Arg2276His (NM_001386142.1); c.3461G>A, p.Arg1154His (NM_001386166.1); c.7202G>A, p.Arg2401His (NM_001386174.1); c.7178G>A, p.Arg2393His (NM_001386175.1); c.4412-5144G>A (NM_001386186.2, NM_001386148.2); c.4214-5144G>A (NM_001354269.3); c.4292-5144G>A (NM_001386187.2); c.4253-5144G>A (NM_001386147.1); and 35 more; short protein forms R2354H, R1154H, R2276H, R2393H, R2401H.
Identifiers: ClinVar variation 643458 (VCV000643458.9), dbSNP rs139616911, ClinGen allele CA3051522.